The following is an entry in ClinVar:

ClinVar aggregate classification (germline): Uncertain significance (1 of 4 stars; one submission).

Conditions:
Myopathy, proximal, and ophthalmoplegia (CMYO6). Also called: CONGENITAL MYOPATHY 6 WITH OPHTHALMOPLEGIA; MYOPATHY WITH CONGENITAL JOINT CONTRACTURES, OPHTHALMOPLEGIA, AND RIMMED VACUOLES; INCLUSION BODY MYOPATHY 3, AUTOSOMAL DOMINANT. Identifiers: Orphanet 363677, Orphanet 79091, MedGen C1854106, MONDO:0011577, OMIM 605637.

Submission:

Labcorp Genetics (formerly Invitae), Labcorp
Classification: Uncertain significance for Myopathy, proximal, and ophthalmoplegia. Last evaluated: 2021-09-17. Review status: criteria provided, single submitter. Criteria: Invitae Variant Classification Sherloc (09022015). Collection method: clinical testing. Allele origin: germline.
Comment: This sequence change falls in intron 8 of the MYH2 gene. It does not directly change the encoded amino acid sequence of the MYH2 protein. It affects a nucleotide within the consensus splice site of the intron. This variant is not present in population databases (ExAC no frequency). This variant has not been reported in the literature in individuals affected with MYH2-related conditions. Variants that disrupt the consensus splice site are a relatively common cause of aberrant splicing (PMID: 17576681, 9536098). Algorithms developed to predict the effect of sequence changes on RNA splicing suggest that this variant may disrupt the consensus splice site. In summary, the available evidence is currently insufficient to determine the role of this variant in disease. Therefore, it has been classified as a Variant of Uncertain Significance.

Literature cited by the submitters: PubMed 17576681; PubMed 9536098.

NM_017534.6(MYH2):c.741+6T>C

Genes: MYHAS (myosin heavy chain gene cluster antisense RNA; plus strand), MYH2 (myosin heavy chain 2; minus strand), LOC126862501 (CDK7 strongly-dependent group 2 enhancer GRCh37_chr17:10446256-10447455; plus strand). Cytogenetic location: 17p13.1.
Variant type: single nucleotide variant.
Coding change: c.741+6T>C on transcript NM_017534.6 (MANE Select); 6 bases into the intron after coding-DNA position 741, T replaced by C.
Molecular consequence: intron variant.
Genome position (GRCh38, 1-based): chr17:10,543,705, A>G on the plus strand (T>C on the coding strand, the complement: MYH2 is on the minus strand). VCF-style: chr17-10543705-A-G. GRCh37 (hg19) VCF-style: chr17-10447022-A-G.
Other names: c.741+6T>C (NM_001100112.2).
Identifiers: ClinVar variation 1416828 (VCV001416828.1), dbSNP rs2142319220, ClinGen allele CA2573152945.